The following is an entry in ClinVar:

ClinVar aggregate classification (germline): Benign/Likely benign. Review status: criteria provided, multiple submitters, no conflicts (2 of 4 stars). 7 submissions from 6 submitters: Benign (2); Likely benign (3). 2 of the submissions do not count toward it. Last evaluated 2024-11-21.

Conditions:
Charcot-Marie-Tooth disease type 2. Also called: Charcot-Marie-Tooth type 2. Identifiers: Orphanet 64746, MedGen C0270914, MONDO:0018993.
Hereditary motor and sensory neuropathy with optic atrophy. Also called: PERIPHERAL NEUROPATHY AND OPTIC ATROPHY; CHARCOT-MARIE-TOOTH DISEASE, TYPE 6. Identifiers: Orphanet 90120, MedGen C0393807, MONDO:0019551.
Charcot-Marie-Tooth disease. Also called: Charcot-Marie-Tooth Neuropathy; Charcot-Marie-Tooth Hereditary Neuropathy. Identifiers: Orphanet 166, MedGen C0007959, MONDO:0015626.

Allele frequency attached by ClinVar (database versions not stated): TOPMed 0.00039; 1000 Genomes Project 30x 0.00047; 1000 Genomes Project 0.00060; gnomAD 0.00060 and 0.00065; ESP Exome Variant Server 0.00069; gnomAD exomes 0.00085 and 0.00092; ExAC 0.00106.
gnomAD v4.1: 1,333 of 1,613,836 alleles (0.083%); highest among the groups gnomAD compares: South Asian, 0.3%; 2 homozygotes.

Submissions (7):

Blueprint Genetics
Classification: Likely benign. Last evaluated: 2024-11-21. Review status: criteria provided, single submitter. Criteria: ACMG Guidelines, 2015. Collection method: clinical testing. Allele origin: germline.

GeneDx
Classification: Likely benign. Last evaluated: 2021-04-13. Review status: criteria provided, single submitter. Criteria: GeneDx Variant Classification Process June 2021. Collection method: clinical testing. Allele origin: germline. Affected: yes.

Illumina Laboratory Services, Illumina
Classification: Benign for Charcot-Marie-Tooth disease, type 2. Last evaluated: 2018-01-13. Review status: criteria provided, single submitter. Criteria: ICSL Variant Classification Criteria 13 December 2019. Collection method: clinical testing. Allele origin: germline.
Comment: This variant was observed in the ICSL laboratory as part of a predisposition screen in an ostensibly healthy population. It had not been previously curated by ICSL or reported in the Human Gene Mutation Database (HGMD: prior to June 1st, 2018), and was therefore a candidate for classification through an automated scoring system. Utilizing variant allele frequency, disease prevalence and penetrance estimates, and inheritance mode, an automated score was calculated to assess if this variant is too frequent to cause the disease. Based on the score and internal cut-off values, a variant classified as benign is not then subjected to further curation. The score for this variant resulted in a classification of benign for this disease.

Illumina Laboratory Services, Illumina
Classification: Benign for Neuropathy, hereditary motor and sensory, type 6A. Last evaluated: 2018-01-13. Review status: criteria provided, single submitter. Criteria: ICSL Variant Classification Criteria 13 December 2019. Collection method: clinical testing. Allele origin: germline.
Comment: the same text as in the submission from Illumina Laboratory Services, Illumina above.

Molecular Genetics Laboratory, London Health Sciences Centre
Classification: Likely benign for Charcot-Marie-Tooth disease. Review status: criteria provided, single submitter. Criteria: ACMG Guidelines, 2015. Collection method: clinical testing. Allele origin: germline. Affected: yes.

Clinical Genetics, Academic Medical Center
Classification: Likely benign. Review status: no assertion criteria provided. Collection method: clinical testing. Allele origin: germline. Affected: yes. Study: VKGL Data-share Consensus. Not counted in ClinVar's aggregate classification.

Genome Diagnostics Laboratory, University Medical Center Utrecht
Classification: Likely benign. Review status: no assertion criteria provided. Collection method: clinical testing. Allele origin: germline. Affected: yes. Study: VKGL Data-share Consensus. Not counted in ClinVar's aggregate classification.

NM_014874.4(MFN2):c.-4-13G>T

Gene: MFN2 (mitofusin 2; plus strand). Cytogenetic location: 1p36.22.
Variant type: single nucleotide variant.
Coding change: c.-4-13G>T on transcript NM_014874.4 (MANE Select); 13 bases into the intron before 4 bases upstream of the start codon, G replaced by T.
Molecular consequence: intron variant.
Genome position (GRCh38, 1-based): chr1:11,989,152, G>T. VCF-style: chr1-11989152-G-T. GRCh37 (hg19) VCF-style: chr1-12049209-G-T.
Other names: c.-4-13G>T (NM_001127660.2); c.-5+7038G>T (NM_014874.3).
Identifiers: ClinVar variation 292370 (VCV000292370.11), dbSNP rs373679523, ClinGen allele CA598717.